The following is an entry in ClinVar:

NM_001291303.3(FAT4):c.13933C>T (p.Arg4645Cys)

Gene: FAT4 (FAT atypical cadherin 4; plus strand). Cytogenetic location: 4q28.1.
Variant type: single nucleotide variant.
Coding change: c.13933C>T on transcript NM_001291303.3 (MANE Select); coding-DNA position 13933, C replaced by T.
Protein change: p.Arg4645Cys; replaces arginine 4645 with cysteine.
Molecular consequence: missense variant.
Genome position (GRCh38, 1-based): chr4:125,490,749, C>T. VCF-style: chr4-125490749-C-T. GRCh37 (hg19) VCF-style: chr4-126411904-C-T.
Other names: c.13930C>T, p.Arg4644Cys (NM_001291285.3); c.13927C>T, p.Arg4643Cys (NM_024582.6); short protein forms R4644C, R4645C, R4643C.
Identifiers: ClinVar variation 2181283 (VCV002181283.2), dbSNP rs181607904, ClinGen allele CA3074472.
Genomic context (GRCh38, chr4:125,490,749, plus strand): 5'-GACAACGCCAGCAGCATCGCCCCTTCGGATGCAGACATCATTCAACACTACAAGCAGTTC[C>T]GCAGCCACACACCAAAATTTTCAATCCAGAGGCACAGTCCCCTAGGCTTTGCAAGGCAAT-3'
Protein context (NP_001278232.1, residues 4635-4655): ADIIQHYKQF[Arg4645Cys]SHTPKFSIQR

ClinVar aggregate classification (germline): Uncertain significance (1 of 4 stars; one submission).

Allele frequency attached by ClinVar (database versions not stated): gnomAD exomes 0.00001; gnomAD 0.00002; TOPMed 0.00002; ExAC 0.00005; 1000 Genomes Project 0.00020; 1000 Genomes Project 30x 0.00031.
gnomAD v4.1: 24 of 1,614,080 alleles (0.0015%); highest among the groups gnomAD compares: East Asian, 0.0089%; no homozygotes.

Submission:

Labcorp Genetics (formerly Invitae), Labcorp
Classification: Uncertain significance. Last evaluated: 2025-12-22. Review status: criteria provided, single submitter. Criteria: Invitae Variant Classification Sherloc (09022015). Collection method: clinical testing. Allele origin: germline.
Comment: This sequence change replaces arginine, which is basic and polar, with cysteine, which is neutral and slightly polar, at codon 4643 of the FAT4 protein (p.Arg4643Cys). This variant is present in population databases (rs181607904, gnomAD 0.02%). This variant has not been reported in the literature in individuals affected with FAT4-related conditions. ClinVar contains an entry for this variant (Variation ID: 2181283). An algorithm developed to predict the effect of missense changes on protein structure and function (PolyPhen-2) suggests that this variant is likely to be disruptive. In summary, the available evidence is currently insufficient to determine the role of this variant in disease. Therefore, it has been classified as a Variant of Uncertain Significance.